The following is an entry in ClinVar:

NM_022051.3(EGLN1):c.200A>G (p.His67Arg)

Gene: EGLN1 (egl-9 family hypoxia inducible factor 1; minus strand). Cytogenetic location: 1q42.2.
Variant type: single nucleotide variant.
Coding change: c.200A>G on transcript NM_022051.3 (MANE Select); coding-DNA position 200, A replaced by G.
Protein change: p.His67Arg; replaces histidine 67 with arginine.
Molecular consequence: missense variant.
Genome position (GRCh38, 1-based): chr1:231,421,689, T>C on the plus strand (A>G on the coding strand, the complement: EGLN1 is on the minus strand). VCF-style: chr1-231421689-T-C. GRCh37 (hg19) VCF-style: chr1-231557435-T-C.
Other names: c.200A>G, p.His67Arg (NM_001377260.1, NM_001377261.1); short protein forms H67R.
Identifiers: ClinVar variation 1784377 (VCV001784377.3), dbSNP rs1656622779, ClinGen allele CA345238643.

ClinVar aggregate classification (germline): Uncertain significance (1 of 4 stars; one submission).

Allele frequency attached by ClinVar (database versions not stated): gnomAD exomes below 0.00001.
gnomAD v4.1: 1 of 1,509,368 alleles (0.000066%); highest among the groups gnomAD compares: South Asian, 0.0012%; no homozygotes.

Submission:

Ambry Genetics
Classification: Uncertain significance. Last evaluated: 2025-03-25. Review status: criteria provided, single submitter. Criteria: Ambry Variant Classification Scheme 2023. Collection method: clinical testing. Allele origin: germline.
Comment: The p.H67R variant (also known as c.200A>G), located in coding exon 1 of the EGLN1 gene, results from an A to G substitution at nucleotide position 200. The histidine at codon 67 is replaced by arginine, an amino acid with highly similar properties. This amino acid position is conserved. In addition, this alteration is predicted to be tolerated by in silico analysis. Since supporting evidence is limited at this time, the clinical significance of this alteration remains unclear.